The following is an entry in ClinVar:

NM_000038.6(APC):c.5174C>A (p.Ala1725Glu)

Gene: APC (APC regulator of Wnt signaling pathway; plus strand). Cytogenetic location: 5q22.2.
Variant type: single nucleotide variant.
Coding change: c.5174C>A on transcript NM_000038.6 (MANE Select); coding-DNA position 5174, C replaced by A.
Protein change: p.Ala1725Glu; replaces alanine 1725 with glutamic acid.
Molecular consequence: missense variant. On other transcripts: non-coding transcript variant (2).
Genome position (GRCh38, 1-based): chr5:112,840,768, C>A. VCF-style: chr5-112840768-C-A. GRCh37 (hg19) VCF-style: chr5-112176465-C-A.
Other names: c.5174C>A, p.Ala1725Glu (NM_001127510.3, NM_001354895.2, NM_001407450.1); c.5120C>A, p.Ala1707Glu (NM_001127511.3); c.5228C>A, p.Ala1743Glu (NM_001354896.2, NM_001407447.1, NM_001407448.1 and 1 more transcripts); c.5204C>A, p.Ala1735Glu (NM_001354897.2); c.5099C>A, p.Ala1700Glu (NM_001354898.2); c.5090C>A, p.Ala1697Glu (NM_001354899.2); c.5051C>A, p.Ala1684Glu (NM_001354900.2); c.4997C>A, p.Ala1666Glu (NM_001354901.2, NM_001407453.1); and 11 more; short protein forms A1341E, A1442E, A1565E, A1596E, A1599E, A1624E, A1634E, A1642E.
Identifiers: ClinVar variation 4861922 (VCV004861922.1).

ClinVar aggregate classification (germline): Uncertain significance (1 of 4 stars; one submission).

Conditions:
Hereditary cancer-predisposing syndrome. Also called: Neoplastic Syndromes, Hereditary; Tumor predisposition; Hereditary Cancer Syndrome; Hereditary neoplastic syndrome. Identifiers: Orphanet 140162, MedGen C0027672, MeSH D009386, MONDO:0015356.

Submission:

Ambry Genetics
Classification: Uncertain significance for Hereditary cancer-predisposing syndrome. Last evaluated: 2026-05-29. Review status: criteria provided, single submitter. Criteria: Ambry Variant Classification Scheme 2023. Collection method: clinical testing. Allele origin: germline.
Comment: The p.A1725E variant (also known as c.5174C>A), located in coding exon 15 of the APC gene, results from a C to A substitution at nucleotide position 5174. The alanine at codon 1725 is replaced by glutamic acid, an amino acid with dissimilar properties. This amino acid position is conserved. In addition, in silico predictors for this gene do not accurately predict pathogenicity. Based on the available evidence, the clinical significance of this variant remains unclear.